The following is an entry in ClinVar:

ClinVar aggregate classification (germline): Uncertain significance. Review status: criteria provided, multiple submitters, no conflicts (2 of 4 stars). 3 submissions from 3 submitters: Uncertain significance (3). Last evaluated 2024-09-24.

Conditions:
Inborn genetic diseases. Identifiers: MedGen C0950123, MeSH D030342.

Allele frequency attached by ClinVar (database versions not stated): gnomAD 0.00001; TOPMed 0.00002; ExAC 0.00003; gnomAD exomes 0.00006; ESP Exome Variant Server 0.00015.
gnomAD v4.1: 91 of 1,613,268 alleles (0.0056%); highest among the groups gnomAD compares: Non-Finnish European, 0.0071%; no homozygotes.

Submissions (3):

Labcorp Genetics (formerly Invitae), Labcorp
Classification: Uncertain significance. Last evaluated: 2024-09-24. Review status: criteria provided, single submitter. Criteria: Invitae Variant Classification Sherloc (09022015). Collection method: clinical testing. Allele origin: germline.
Comment: This sequence change replaces valine, which is neutral and non-polar, with leucine, which is neutral and non-polar, at codon 1210 of the COL7A1 protein (p.Val1210Leu). This variant is present in population databases (rs147391146, gnomAD 0.006%). This variant has not been reported in the literature in individuals affected with COL7A1-related conditions. ClinVar contains an entry for this variant (Variation ID: 2155672). Invitae Evidence Modeling of protein sequence and biophysical properties (such as structural, functional, and spatial information, amino acid conservation, physicochemical variation, residue mobility, and thermodynamic stability) indicates that this missense variant is not expected to disrupt COL7A1 protein function with a negative predictive value of 95%. In summary, the available evidence is currently insufficient to determine the role of this variant in disease. Therefore, it has been classified as a Variant of Uncertain Significance.

Women's Health and Genetics/Laboratory Corporation of America, LabCorp
Classification: Uncertain significance. Last evaluated: 2024-06-17. Review status: criteria provided, single submitter. Criteria: LabCorp Variant Classification Summary - May 2015. Collection method: clinical testing. Allele origin: germline.

Ambry Genetics
Classification: Uncertain significance for Inborn genetic diseases. Last evaluated: 2023-09-29. Review status: criteria provided, single submitter. Criteria: Ambry Variant Classification Scheme 2023. Collection method: clinical testing. Allele origin: germline.

NM_000094.4(COL7A1):c.3628G>C (p.Val1210Leu)

Gene: COL7A1 (collagen type VII alpha 1 chain; minus strand). Cytogenetic location: 3p21.31.
Variant type: single nucleotide variant.
Coding change: c.3628G>C on transcript NM_000094.4 (MANE Select); coding-DNA position 3628, G replaced by C.
Protein change: p.Val1210Leu; replaces valine 1210 with leucine.
Molecular consequence: missense variant.
Genome position (GRCh38, 1-based): chr3:48,586,169, C>G on the plus strand (G>C on the coding strand, the complement: COL7A1 is on the minus strand). VCF-style: chr3-48586169-C-G. GRCh37 (hg19) VCF-style: chr3-48623602-C-G.
Other names: short protein forms V1210L.
Identifiers: ClinVar variation 2155672 (VCV002155672.5), dbSNP rs147391146, ClinGen allele CA2380459.